The following is an entry in ClinVar:

NM_003743.5(NCOA1):c.1575C>T (p.Ala525=)

Gene: NCOA1 (nuclear receptor coactivator 1; plus strand). Cytogenetic location: 2p23.3.
Variant type: single nucleotide variant.
Coding change: c.1575C>T on transcript NM_003743.5 (MANE Select); coding-DNA position 1575, C replaced by T.
Protein change: p.Ala525=; no amino-acid change (alanine 525 retained).
Molecular consequence: synonymous variant.
Genome position (GRCh38, 1-based): chr2:24,707,045, C>T. VCF-style: chr2-24707045-C-T. GRCh37 (hg19) VCF-style: chr2-24929914-C-T.
Other names: c.1575C>T, p.Ala525= (NM_001362950.1, NM_001362952.1, NM_001362954.1 and 3 more transcripts).
Identifiers: ClinVar variation 5000916 (VCV005000916.1).

ClinVar aggregate classification (germline): Likely benign (1 of 4 stars; one submission).

Conditions:
NCOA1-related disorder. Also called: NCOA1-related condition.

Submission:

PreventionGenetics, part of Exact Sciences
Classification: Likely benign for NCOA1-related condition. Last evaluated: 2025-04-24. Review status: criteria provided, single submitter. Criteria: ACMG Guidelines, 2015. Collection method: clinical testing. Allele origin: germline.
Comment: This variant is classified as likely benign based on ACMG/AMP sequence variant interpretation guidelines (Richards et al. 2015 PMID: 25741868, with internal and published modifications).